The following is an entry in ClinVar:

ClinVar aggregate classification (germline): Uncertain significance (1 of 4 stars; one submission).

Conditions:
Hereditary pancreatitis (PCTT). Also called: Hereditary chronic pancreatitis; PRSS1-Related Hereditary Pancreatitis. Identifiers: Orphanet 676, MedGen C0238339, MONDO:0008185, OMIM 167800.

Allele frequency attached by ClinVar (database versions not stated): gnomAD exomes below 0.00001.
gnomAD v4.1: 1 of 1,614,058 alleles (0.000062%); highest among the groups gnomAD compares: Non-Finnish European, 0.000085%; no homozygotes.

Submission:

Ambry Genetics
Classification: Uncertain significance for Hereditary pancreatitis. Last evaluated: 2022-11-11. Review status: criteria provided, single submitter. Criteria: Ambry Variant Classification Scheme 2023. Collection method: clinical testing. Allele origin: germline.
Comment: The p.I157L variant (also known as c.469A>C), located in coding exon 4 of the CPA1 gene, results from an A to C substitution at nucleotide position 469. The isoleucine at codon 157 is replaced by leucine, an amino acid with highly similar properties. This amino acid position is conserved. In addition, this alteration is predicted to be tolerated by in silico analysis. Since supporting evidence is limited at this time, the clinical significance of this alteration remains unclear.

NM_001868.4(CPA1):c.469A>C (p.Ile157Leu)

Gene: CPA1 (carboxypeptidase A1; plus strand). Cytogenetic location: 7q32.2.
Variant type: single nucleotide variant.
Coding change: c.469A>C on transcript NM_001868.4 (MANE Select); coding-DNA position 469, A replaced by C.
Protein change: p.Ile157Leu; replaces isoleucine 157 with leucine.
Molecular consequence: missense variant.
Genome position (GRCh38, 1-based): chr7:130,382,195, A>C. VCF-style: chr7-130382195-A-C. GRCh37 (hg19) VCF-style: chr7-130022036-A-C.
Other names: short protein forms I157L.
Identifiers: ClinVar variation 2448257 (VCV002448257.2), dbSNP rs2536006436, ClinGen allele CA369281237.
Genomic context (GRCh38, chr7:130,382,195, plus strand): 5'-GCGGAGAACCCGCACCTTGTCAGCAAGATCCAGATTGGCAACACCTATGAAGGGCGTCCC[A>C]TTTACGTGCTGAAGGTAACATCCACATGTGGACATACACAGGGGAGAATGGACCCACACG-3'
Protein context (NP_001859.1, residues 147-167): QIGNTYEGRP[Ile157Leu]YVLKFSTGGS